The following is an entry in ClinVar:

NM_001386795.1(DTNA):c.1831T>A (p.Ser611Thr)

Gene: DTNA (dystrobrevin alpha; plus strand). Cytogenetic location: 18q12.1.
Variant type: single nucleotide variant.
Coding change: c.1831T>A on transcript NM_001386795.1 (MANE Select); coding-DNA position 1831, T replaced by A.
Protein change: p.Ser611Thr; replaces serine 611 with threonine.
Molecular consequence: missense variant.
Genome position (GRCh38, 1-based): chr18:34,875,326, T>A. VCF-style: chr18-34875326-T-A. GRCh37 (hg19) VCF-style: chr18-32455290-T-A.
Other names: c.1570T>A, p.Ser524Thr (NM_001198938.2, NM_001198940.2, NM_001386753.1 and 5 more transcripts); c.1591T>A, p.Ser531Thr (NM_001198939.2); c.877T>A, p.Ser293Thr (NM_001198942.1); c.820T>A, p.Ser274Thr (NM_001198943.1); c.706T>A, p.Ser236Thr (NM_001198944.1); c.1660T>A, p.Ser554Thr (NM_001386754.1, NM_001386755.1, NM_001386756.1 and 3 more transcripts); c.1657T>A, p.Ser553Thr (NM_001386760.1); c.1579T>A, p.Ser527Thr (NM_001386761.1, NM_032975.4); and 5 more; short protein forms S293T, S526T, S527T, S531T, S236T, S274T, S584T, S611T.
Identifiers: ClinVar variation 4697952 (VCV004697952.1).

ClinVar aggregate classification (germline): Uncertain significance (1 of 4 stars; one submission).

Conditions:
Left ventricular noncompaction 1 (LVNC1). Also called: LEFT VENTRICULAR NONCOMPACTION 1 WITH OR WITHOUT CONGENITAL HEART DEFECTS. Identifiers: Orphanet 54260, MedGen C1858725, MONDO:0011403, OMIM 604169.

gnomAD v4.1: 3 of 1,614,156 alleles (0.00019%); highest among the groups gnomAD compares: South Asian, 0.0022%; no homozygotes.

Submission:

Labcorp Genetics (formerly Invitae), Labcorp
Classification: Uncertain significance for Left ventricular noncompaction 1. Last evaluated: 2025-08-05. Review status: criteria provided, single submitter. Criteria: Invitae Variant Classification Sherloc (09022015). Collection method: clinical testing. Allele origin: germline.
Comment: This sequence change replaces serine, which is neutral and polar, with threonine, which is neutral and polar, at codon 584 of the DTNA protein (p.Ser584Thr). This variant is not present in population databases (gnomAD no frequency). This variant has not been reported in the literature in individuals affected with DTNA-related conditions. An algorithm developed to predict the effect of missense changes on protein structure and function (PolyPhen-2) suggests that this variant is likely to be tolerated. In summary, the available evidence is currently insufficient to determine the role of this variant in disease. Therefore, it has been classified as a Variant of Uncertain Significance.